The following is an entry in ClinVar:

NM_001201543.2(FAM161A):c.1356_1357del (p.Val453_Cys454insTer)

Gene: FAM161A (FAM161 centrosomal protein A; minus strand). Cytogenetic location: 2p15.
Variant type: Deletion.
Coding change: c.1356_1357del on transcript NM_001201543.2 (MANE Select); coding-DNA positions 1356 to 1357, 2 bases deleted (AG; older notation c.1356_1357delAG).
Protein change: p.Val453_Cys454insTer.
Molecular consequence: frameshift variant. On other transcripts: non-coding transcript variant (1).
Genome position (GRCh38, 1-based): chr2:61,839,647-61,839,648, CT deleted on the plus strand (AG on the coding strand, the reverse complement: FAM161A is on the minus strand). VCF-style (leftmost placement, unchanged base first): chr2-61839646-ACT-A. GRCh37 (hg19) VCF-style: chr2-62066781-ACT-A.
Other names: c.1356_1357del, p.Val453_Cys454insTer (NM_032180.3).
Identifiers: ClinVar variation 1443320 (VCV001443320.6), dbSNP rs2105080958, ClinGen allele CA2573135073.
Genomic context (GRCh38, chr2:61,839,646, plus strand): 5'-AAAATTTTTTCTCTTTTAATAGATGCATGTGGAGATGCATGAAGATCAAATGGTTTACAC[ACT>A]GTTAAGAGTTTTGGAGACTTGTGTTCTGAGAGGTGTTTCTGGTATCTCTCAGGAAGGTCC-3'

ClinVar aggregate classification (germline): Pathogenic (1 of 4 stars; one submission).

Submission:

Labcorp Genetics (formerly Invitae), Labcorp
Classification: Pathogenic. Last evaluated: 2021-06-03. Review status: criteria provided, single submitter. Criteria: Invitae Variant Classification Sherloc (09022015). Collection method: clinical testing. Allele origin: germline.
Comment: This sequence change creates a premature translational stop signal (p.Cys454*) in the FAM161A gene. It is expected to result in an absent or disrupted protein product. Loss-of-function variants in FAM161A are known to be pathogenic (PMID: 20705278, 20705279, 24651477). This variant is not present in population databases (ExAC no frequency). This variant has not been reported in the literature in individuals with FAM161A-related conditions. For these reasons, this variant has been classified as Pathogenic.

Literature cited by the submitters: PubMed 20705278; PubMed 20705279; PubMed 24651477.